The following is an entry in ClinVar:

NM_004655.4(AXIN2):c.122G>T (p.Gly41Val)

Gene: AXIN2 (axin 2; minus strand). Cytogenetic location: 17q24.1.
Variant type: single nucleotide variant.
Coding change: c.122G>T on transcript NM_004655.4 (MANE Select); coding-DNA position 122, G replaced by T.
Protein change: p.Gly41Val; replaces glycine 41 with valine.
Molecular consequence: missense variant.
Genome position (GRCh38, 1-based): chr17:65,558,499, C>A on the plus strand (G>T on the coding strand, the complement: AXIN2 is on the minus strand). VCF-style: chr17-65558499-C-A. GRCh37 (hg19) VCF-style: chr17-63554617-C-A.
Other names: c.122G>T, p.Gly41Val (NM_001363813.1); short protein forms G41V.
Identifiers: ClinVar variation 862229 (VCV000862229.13), dbSNP rs751061508, ClinGen allele CA400682122.
Genomic context (GRCh38, chr17:65,558,499, plus strand): 5'-CCATCTTCGTTCCGCCTGGTGTTGGAAGAGACAGGCATGGGTTTGGTGACCTGGCCCTTG[C>A]CCACCCCTGGCTGACACGGTGGGGTCTCCCCTTCTTCCCCTGGCACTGGGGGCCGCGGGG-3'
Protein context (NP_004646.3, residues 31-51): GETPPCQPGV[Gly41Val]KGQVTKPMPV

ClinVar aggregate classification (germline): Uncertain significance. Review status: criteria provided, multiple submitters, no conflicts (2 of 4 stars). 3 submissions from 3 submitters: Uncertain significance (3). Last evaluated 2023-11-07.

Conditions:
Oligodontia-cancer predisposition syndrome. Also called: TOOTH AGENESIS-COLORECTAL CANCER SYNDROME. Identifiers: Orphanet 300576, MedGen C1837750, MONDO:0012075, OMIM 608615. Disease mechanism: loss of function.
Hereditary cancer-predisposing syndrome. Also called: Tumor predisposition; Hereditary neoplastic syndrome; Neoplastic Syndromes, Hereditary; Hereditary Cancer Syndrome. Identifiers: Orphanet 140162, MedGen C0027672, MeSH D009386, MONDO:0015356.

Allele frequency attached by ClinVar (database versions not stated): TOPMed 0.00001.
gnomAD v4.1: 1 of 1,612,130 alleles (0.000062%); highest among the groups gnomAD compares: Admixed American, 0.0017%; no homozygotes.

Submissions (3):

Ambry Genetics
Classification: Uncertain significance for Hereditary cancer-predisposing syndrome. Last evaluated: 2023-11-07. Review status: criteria provided, single submitter. Criteria: Ambry Variant Classification Scheme 2023. Collection method: clinical testing. Allele origin: germline.
Comment: The p.G41V variant (also known as c.122G>T), located in coding exon 1 of the AXIN2 gene, results from a G to T substitution at nucleotide position 122. The glycine at codon 41 is replaced by valine, an amino acid with dissimilar properties. This amino acid position is highly conserved in available vertebrate species. In addition, this alteration is predicted to be tolerated by in silico analysis. Since supporting evidence is limited at this time, the clinical significance of this alteration remains unclear.

Labcorp Genetics (formerly Invitae), Labcorp
Classification: Uncertain significance for Oligodontia-cancer predisposition syndrome. Last evaluated: 2023-09-06. Review status: criteria provided, single submitter. Criteria: Invitae Variant Classification Sherloc (09022015). Collection method: clinical testing. Allele origin: germline.
Comment: This sequence change replaces glycine, which is neutral and non-polar, with valine, which is neutral and non-polar, at codon 41 of the AXIN2 protein (p.Gly41Val). The frequency data for this variant in the population databases is considered unreliable, as metrics indicate poor data quality at this position in the gnomAD database. In summary, the available evidence is currently insufficient to determine the role of this variant in disease. Therefore, it has been classified as a Variant of Uncertain Significance. Advanced modeling of protein sequence and biophysical properties (such as structural, functional, and spatial information, amino acid conservation, physicochemical variation, residue mobility, and thermodynamic stability) performed at Invitae indicates that this missense variant is not expected to disrupt AXIN2 protein function. ClinVar contains an entry for this variant (Variation ID: 862229). This variant has not been reported in the literature in individuals affected with AXIN2-related conditions.

GeneDx
Classification: Uncertain significance. Last evaluated: 2019-04-19. Review status: criteria provided, single submitter. Criteria: GeneDx Variant Classification Process June 2021. Collection method: clinical testing. Allele origin: germline. Affected: yes.
Comment: Has not been previously published as pathogenic or benign to our knowledge